The following is an entry in ClinVar:

ClinVar aggregate classification (germline): Uncertain significance. Review status: criteria provided, multiple submitters, no conflicts (2 of 4 stars). 2 submissions from 2 submitters: Uncertain significance (2). Last evaluated 2026-03-27.

Conditions:
Cardiovascular phenotype. Identifiers: MedGen CN230736.

gnomAD v4.1: 1 of 1,613,902 alleles (0.000062%); highest among the groups gnomAD compares: Non-Finnish European, 0.000085%; no homozygotes.

Submissions (2):

Molecular Diagnostic Laboratory for Inherited Cardiovascular Disease, Montreal Heart Institute
Classification: Uncertain significance for Cardiovascular phenotype. Last evaluated: 2026-03-27. Review status: criteria provided, single submitter. Criteria: ACMG Guidelines, 2015. Collection method: clinical testing. Allele origin: germline. Affected: yes.
Comment: PM2

Ambry Genetics
Classification: Uncertain significance for Cardiovascular phenotype. Last evaluated: 2025-08-03. Review status: criteria provided, single submitter. Criteria: Ambry Variant Classification Scheme 2023. Collection method: clinical testing. Allele origin: germline.

NM_001103.4(ACTN2):c.220C>A (p.Leu74Met)

Gene: ACTN2 (actinin alpha 2; plus strand). Cytogenetic location: 1q43.
Variant type: single nucleotide variant.
Coding change: c.220C>A on transcript NM_001103.4 (MANE Select); coding-DNA position 220, C replaced by A.
Protein change: p.Leu74Met; replaces leucine 74 with methionine.
Molecular consequence: missense variant. On other transcripts: non-coding transcript variant (1).
Genome position (GRCh38, 1-based): chr1:236,717,951, C>A. VCF-style: chr1-236717951-C-A. GRCh37 (hg19) VCF-style: chr1-236881251-C-A.
Other names: c.220C>A, p.Leu74Met (NM_001278343.2); c.220C>A (NM_001103.3); short protein forms L74M.
Identifiers: ClinVar variation 4222082 (VCV004222082.2).